The following is an entry in ClinVar:

NM_000535.7(PMS2):c.1540C>A (p.His514Asn)

Gene: PMS2 (PMS1 homolog 2, mismatch repair system component; minus strand). Cytogenetic location: 7p22.1.
Variant type: single nucleotide variant.
Coding change: c.1540C>A on transcript NM_000535.7 (MANE Select); coding-DNA position 1540, C replaced by A.
Protein change: p.His514Asn; replaces histidine 514 with asparagine.
Molecular consequence: missense variant. On other transcripts: non-coding transcript variant (1).
Genome position (GRCh38, 1-based): chr7:5,987,225, G>T on the plus strand (C>A on the coding strand, the complement: PMS2 is on the minus strand). VCF-style: chr7-5987225-G-T. GRCh37 (hg19) VCF-style: chr7-6026856-G-T.
Other names: c.1135C>A, p.His379Asn (NM_001322003.2, NM_001322004.2, NM_001322005.2 and 1 more transcripts); c.1384C>A, p.His462Asn (NM_001322006.2); c.1222C>A, p.His408Asn (NM_001322007.2, NM_001322008.2); c.979C>A, p.His327Asn (NM_001322010.2); c.607C>A, p.His203Asn (NM_001322011.2, NM_001322012.2); c.967C>A, p.His323Asn (NM_001322013.2); c.1540C>A, p.His514Asn (NM_001322014.2); c.1231C>A, p.His411Asn (NM_001322015.2); short protein forms H514N, H323N, H379N, H327N, H462N, H408N, H411N, H203N.
Identifiers: ClinVar variation 455658 (VCV000455658.15), dbSNP rs878854036, ClinGen allele CA366741634.

ClinVar aggregate classification (germline): Conflicting classifications of pathogenicity. Review status: criteria provided, conflicting classifications (1 of 4 stars). 3 submissions from 3 submitters: Uncertain significance (2); Likely benign (1). Last evaluated 2025-07-25.

Conditions:
Hereditary nonpolyposis colorectal neoplasms. Identifiers: MedGen C0009405, MeSH D003123.
Hereditary cancer-predisposing syndrome. Also called: Hereditary Cancer Syndrome; Hereditary neoplastic syndrome; Neoplastic Syndromes, Hereditary; Tumor predisposition. Identifiers: Orphanet 140162, MedGen C0027672, MeSH D009386, MONDO:0015356.

Submissions (3):

Ambry Genetics
Classification: Likely benign for Hereditary cancer-predisposing syndrome. Last evaluated: 2025-07-25. Review status: criteria provided, single submitter. Criteria: Ambry Variant Classification Scheme 2023. Collection method: clinical testing. Allele origin: germline.

Labcorp Genetics (formerly Invitae), Labcorp
Classification: Uncertain significance for Hereditary nonpolyposis colorectal neoplasms. Last evaluated: 2024-11-09. Review status: criteria provided, single submitter. Criteria: Invitae Variant Classification Sherloc (09022015). Collection method: clinical testing. Allele origin: germline.
Comment: This sequence change replaces histidine, which is basic and polar, with asparagine, which is neutral and polar, at codon 514 of the PMS2 protein (p.His514Asn). This variant is not present in population databases (gnomAD no frequency). This variant has not been reported in the literature in individuals affected with PMS2-related conditions. ClinVar contains an entry for this variant (Variation ID: 455658). Invitae Evidence Modeling incorporating data from in vitro experimental studies (internal data) indicates that this missense variant is not expected to disrupt PMS2 function with a negative predictive value of 95%. In summary, the available evidence is currently insufficient to determine the role of this variant in disease. Therefore, it has been classified as a Variant of Uncertain Significance.

Color Diagnostics, LLC DBA Color Health
Classification: Uncertain significance for Hereditary cancer-predisposing syndrome. Last evaluated: 2019-01-19. Review status: criteria provided, single submitter. Criteria: ACMG Guidelines, 2015. Collection method: clinical testing. Allele origin: germline.